The following is an entry in ClinVar:

NM_001330195.2(NRXN3):c.1060-10C>T

Gene: NRXN3 (neurexin 3; plus strand). Cytogenetic location: 14q24.3.
Variant type: single nucleotide variant.
Coding change: c.1060-10C>T on transcript NM_001330195.2 (MANE Select); 10 bases into the intron before coding-DNA position 1060, C replaced by T.
Molecular consequence: intron variant.
Genome position (GRCh38, 1-based): chr14:78,651,155, C>T. VCF-style: chr14-78651155-C-T. GRCh37 (hg19) VCF-style: chr14-79117498-C-T.
Other names: c.1072-10C>T (NM_001366426.1); c.1060-10C>T (NM_001366425.1); c.-60-10C>T (NM_004796.6).
Identifiers: ClinVar variation 3054142 (VCV003054142.2), dbSNP rs556818436, ClinGen allele CA7291557.

ClinVar aggregate classification (germline): Likely benign (0 of 4 stars; one submission).

Conditions:
NRXN3-related disorder. Also called: NRXN3-related condition.

Submission:

PreventionGenetics, part of Exact Sciences
Classification: Likely benign for NRXN3-related condition. Last evaluated: 2022-09-30. Review status: no assertion criteria provided. Collection method: clinical testing. Allele origin: germline.
Comment: This variant is classified as likely benign based on ACMG/AMP sequence variant interpretation guidelines (Richards et al. 2015 PMID: 25741868, with internal and published modifications).